The following is an entry in ClinVar:

NM_001267550.2(TTN):c.95374G>A (p.Val31792Met)

Genes: TTN (titin; minus strand), TTN-AS1 (TTN antisense RNA 1; plus strand). Cytogenetic location: 2q31.2.
Variant type: single nucleotide variant.
Coding change: c.95374G>A on transcript NM_001267550.2 (MANE Select); coding-DNA position 95374, G replaced by A.
Protein change: p.Val31792Met; replaces valine 31792 with methionine.
Molecular consequence: missense variant.
Genome position (GRCh38, 1-based): chr2:178,545,862, C>T on the plus strand (G>A on the coding strand, the complement: TTN is on the minus strand). VCF-style: chr2-178545862-C-T. GRCh37 (hg19) VCF-style: chr2-179410589-C-T.
Other names: c.90451G>A, p.Val30151Met (NM_001256850.1); c.68179G>A, p.Val22727Met (NM_003319.4); c.87670G>A, p.Val29224Met (NM_133378.4); c.68554G>A, p.Val22852Met (NM_133432.3); c.68755G>A, p.Val22919Met (NM_133437.4); short protein forms V22727M, V29224M, V31792M, V22919M, V30151M, V22852M.
Identifiers: ClinVar variation 2187655 (VCV002187655.4), dbSNP rs994348588, ClinGen allele CA60971464.

ClinVar aggregate classification (germline): Uncertain significance (1 of 4 stars; one submission).

Conditions:
Dilated cardiomyopathy 1G (CMD1G). Identifiers: Orphanet 154, MedGen C1858763, MONDO:0011400, OMIM 604145.
Autosomal recessive limb-girdle muscular dystrophy type 2J (LGMDR10). Also called: Limb-girdle muscular dystrophy, type 2J; MUSCULAR DYSTROPHY, LIMB-GIRDLE, AUTOSOMAL RECESSIVE 10. Identifiers: Orphanet 140922, MedGen C1837342, MONDO:0012127, OMIM 608807.

Allele frequency attached by ClinVar (database versions not stated): gnomAD 0.00001; gnomAD exomes 0.00001; TOPMed 0.00001.
gnomAD v4.1: 9 of 1,613,732 alleles (0.00056%); highest among the groups gnomAD compares: African/African-American, 0.0053%; no homozygotes.

Submission:

Labcorp Genetics (formerly Invitae), Labcorp
Classification: Uncertain significance for Dilated cardiomyopathy 1G; Autosomal recessive limb-girdle muscular dystrophy type 2J. Last evaluated: 2025-12-27. Review status: criteria provided, single submitter. Criteria: Invitae Variant Classification Sherloc (09022015). Collection method: clinical testing. Allele origin: germline.
Comment: This sequence change replaces valine, which is neutral and non-polar, with methionine, which is neutral and non-polar, at codon 31792 of the TTN protein (p.Val31792Met). This variant is present in population databases (no rsID available, gnomAD 0.003%). This variant has not been reported in the literature in individuals affected with TTN-related conditions. ClinVar contains an entry for this variant (Variation ID: 2187655). Experimental studies and prediction algorithms are not available or were not evaluated, and the functional significance of this variant is currently unknown. This variant is located in the A band of TTN (PMID: 25589632). Variants in this region may be relevant for cardiac or neuromuscular disorders (PMID: 25589632, 23975875). In summary, the available evidence is currently insufficient to determine the role of this variant in disease. Therefore, it has been classified as a Variant of Uncertain Significance.

Literature cited by the submitters: PubMed 25589632; PubMed 23975875.